The following is an entry in ClinVar:

ClinVar aggregate classification (germline): Uncertain significance (1 of 4 stars; one submission).

Conditions:
Dystonia 16 (DYT16). Also called: DYT-PRKRA. Identifiers: Orphanet 210571, MedGen C2677567, MONDO:0012789, OMIM 612067.

Allele frequency attached by ClinVar (database versions not stated): TOPMed below 0.00001; gnomAD 0.00001; gnomAD exomes 0.00001.
gnomAD v4.1: 9 of 1,562,830 alleles (0.00058%); highest among the groups gnomAD compares: Non-Finnish European, 0.00078%; no homozygotes.

Submission:

Labcorp Genetics (formerly Invitae), Labcorp
Classification: Uncertain significance for Dystonia 16. Last evaluated: 2022-04-20. Review status: criteria provided, single submitter. Criteria: Invitae Variant Classification Sherloc (09022015). Collection method: clinical testing. Allele origin: germline.
Comment: In summary, the available evidence is currently insufficient to determine the role of this variant in disease. Therefore, it has been classified as a Variant of Uncertain Significance. Algorithms developed to predict the effect of missense changes on protein structure and function (SIFT, PolyPhen-2, Align-GVGD) all suggest that this variant is likely to be tolerated. This variant has not been reported in the literature in individuals affected with PRKRA-related conditions. The frequency data for this variant in the population databases is considered unreliable, as metrics indicate poor data quality at this position in the gnomAD database. This sequence change replaces glutamic acid, which is acidic and polar, with lysine, which is basic and polar, at codon 9 of the PRKRA protein (p.Glu9Lys).

NM_003690.5(PRKRA):c.25G>A (p.Glu9Lys)

Gene: PRKRA (protein activator of interferon induced protein kinase EIF2AK2; minus strand). Cytogenetic location: 2q31.2.
Variant type: single nucleotide variant.
Coding change: c.25G>A on transcript NM_003690.5 (MANE Select); coding-DNA position 25, G replaced by A.
Protein change: p.Glu9Lys; replaces glutamic acid 9 with lysine.
Molecular consequence: missense variant. On other transcripts: 5 prime UTR variant (1).
Genome position (GRCh38, 1-based): chr2:178,451,006, C>T on the plus strand (G>A on the coding strand, the complement: PRKRA is on the minus strand). VCF-style: chr2-178451006-C-T. GRCh37 (hg19) VCF-style: chr2-179315733-C-T.
Other names: c.-425G>A (NM_001316362.2); short protein forms E9K.
Identifiers: ClinVar variation 2195664 (VCV002195664.4), dbSNP rs1050726687, ClinGen allele CA60939413.